The following is an entry in ClinVar:

ClinVar aggregate classification (germline): Uncertain significance (1 of 4 stars; one submission).

Conditions:
Inborn genetic diseases. Identifiers: MedGen C0950123, MeSH D030342.

Allele frequency attached by ClinVar (database versions not stated): gnomAD exomes 0.00002; TOPMed 0.00002; gnomAD 0.00003.
gnomAD v4.1: 32 of 1,613,698 alleles (0.002%); highest among the groups gnomAD compares: African/African-American, 0.0027%; no homozygotes.

Submission:

Ambry Genetics
Classification: Uncertain significance for Inborn genetic diseases. Last evaluated: 2021-07-18. Review status: criteria provided, single submitter. Criteria: Ambry Variant Classification Scheme 2023. Collection method: clinical testing. Allele origin: germline.
Comment: The p.N2117S variant (also known as c.6350A>G), located in coding exon 38 of the ATR gene, results from an A to G substitution at nucleotide position 6350. The asparagine at codon 2117 is replaced by serine, an amino acid with highly similar properties. This amino acid position is conserved. In addition, this alteration is predicted to be tolerated by in silico analysis. Since supporting evidence is limited at this time, the clinical significance of this alteration remains unclear.

NM_001184.4(ATR):c.6350A>G (p.Asn2117Ser)

Gene: ATR (ATR checkpoint kinase; minus strand). Cytogenetic location: 3q23.
Variant type: single nucleotide variant.
Coding change: c.6350A>G on transcript NM_001184.4 (MANE Select); coding-DNA position 6350, A replaced by G.
Protein change: p.Asn2117Ser; replaces asparagine 2117 with serine.
Molecular consequence: missense variant.
Genome position (GRCh38, 1-based): chr3:142,469,539, T>C on the plus strand (A>G on the coding strand, the complement: ATR is on the minus strand). VCF-style: chr3-142469539-T-C. GRCh37 (hg19) VCF-style: chr3-142188381-T-C.
Other names: c.6158A>G, p.Asn2053Ser (NM_001354579.2); short protein forms N2053S, N2117S.
Identifiers: ClinVar variation 1753011 (VCV001753011.2), dbSNP rs1241780511, ClinGen allele CA354805300.